The following is an entry in ClinVar:

NM_021012.5(KCNJ12):c.9G>A (p.Ala3=)

Gene: KCNJ12 (potassium inwardly rectifying channel subfamily J member 12; plus strand). Cytogenetic location: 17p11.2.
Variant type: single nucleotide variant.
Coding change: c.9G>A on transcript NM_021012.5 (MANE Select); coding-DNA position 9, G replaced by A.
Protein change: p.Ala3=; no amino-acid change (alanine 3 retained).
Molecular consequence: synonymous variant.
Genome position (GRCh38, 1-based): chr17:21,415,351, G>A. VCF-style: chr17-21415351-G-A. GRCh37 (hg19) VCF-style: chr17-21318663-G-A.
Identifiers: ClinVar variation 3060814 (VCV003060814.2), dbSNP rs72846666, ClinGen allele CA8450940.
Genomic context (GRCh38, chr17:21,415,351, plus strand): 5'-CGCCCTGCCTGGAGCTAGCCTGGGGGCGAGCCAGGGTCCCCCAACCCCCGGGATGACCGC[G>A]GCCAGCCGGGCCAACCCCTACAGCATCGTGTCATCGGAGGAGGACGGGCTGCACCTGGTC-3'
Protein context (NP_066292.2, residues 1-13): MT[Ala3=]ASRANPYSIV

ClinVar aggregate classification (germline): Benign (0 of 4 stars; one submission).

Conditions:
KCNJ12-related disorder. Also called: KCNJ12-related condition.

Allele frequency attached by ClinVar (database versions not stated): ExAC 0.49787.

Submission:

PreventionGenetics, part of Exact Sciences
Classification: Benign for KCNJ12-related condition. Last evaluated: 2019-10-17. Review status: no assertion criteria provided. Collection method: clinical testing. Allele origin: germline.
Comment: This variant is classified as benign based on ACMG/AMP sequence variant interpretation guidelines (Richards et al. 2015 PMID: 25741868, with internal and published modifications).